The following is an entry in ClinVar:

NM_139215.3(TAF15):c.1287A>G (p.Gly429=)

Gene: TAF15 (TATA-box binding protein associated factor 15; plus strand). Cytogenetic location: 17q12.
Variant type: single nucleotide variant.
Coding change: c.1287A>G on transcript NM_139215.3 (MANE Select); coding-DNA position 1287, A replaced by G.
Protein change: p.Gly429=; no amino-acid change (glycine 429 retained).
Molecular consequence: synonymous variant.
Genome position (GRCh38, 1-based): chr17:35,844,586, A>G. VCF-style: chr17-35844586-A-G. GRCh37 (hg19) VCF-style: chr17-34171590-A-G.
Other names: NC_000017.10:g.34171590A>G; p.Gly429=; c.1278A>G, p.Gly426= (NM_003487.4).
Identifiers: ClinVar variation 1272689 (VCV001272689.6), dbSNP rs4251785, ClinGen allele CA290041219.

ClinVar aggregate classification (germline): Benign. Review status: criteria provided, multiple submitters, no conflicts (2 of 4 stars). 4 submissions from 4 submitters: Benign (3). 1 of the submissions does not count toward it. Last evaluated 2022-03-24.

Conditions:
TAF15-related disorder. Also called: TAF15-related condition.

Allele frequency attached by ClinVar (database versions not stated): gnomAD exomes 0.12197 and 0.14399; ESP Exome Variant Server 0.13694; ExAC 0.14233; gnomAD 0.14891 and 0.15196; TOPMed 0.15891; 1000 Genomes Project 0.20407.
gnomAD v4.1: 199,186 of 1,598,486 alleles (12%); highest among the groups gnomAD compares: South Asian, 23%; 14,446 homozygotes.

Submissions (13):

Mayo Clinic Laboratories, Mayo Clinic
Classification: Benign. Last evaluated: 2022-03-24. Review status: criteria provided, single submitter. Criteria: ACMG Guidelines, 2015. Collection method: clinical testing. Allele origin: germline. Observed: 271 variant alleles.

GeneDx
Classification: Benign. Last evaluated: 2018-08-14. Review status: criteria provided, single submitter. Criteria: GeneDx Variant Classification Process June 2021. Collection method: clinical testing. Allele origin: germline. Affected: yes.

Breakthrough Genomics
Classification: Benign. Review status: criteria provided, single submitter. Criteria: ACMG Guidelines, 2015. Collection method: not provided. Allele origin: germline. Inheritance: Unknown mechanism. Affected: yes.

PreventionGenetics, part of Exact Sciences
Classification: Benign for TAF15-related condition. Last evaluated: 2019-04-29. Review status: no assertion criteria provided. Collection method: clinical testing. Allele origin: germline. Not counted in ClinVar's aggregate classification.
Comment: This variant is classified as benign based on ACMG/AMP sequence variant interpretation guidelines (Richards et al. 2015 PMID: 25741868, with internal and published modifications).

Dr. Peter K. Rogan Lab, Western University
No classification provided (evidence only). Condition: Colorectal cancer. Review status: no classification provided. Collection method: in vitro. Allele origin: not applicable. Functional consequence: retained intron. Not counted in ClinVar's aggregate classification.

Dr. Peter K. Rogan Lab, Western University
No classification provided (evidence only). Condition: Malignant lymphoma, large B-cell, diffuse. Review status: no classification provided. Collection method: in vitro. Allele origin: not applicable. Functional consequence: retained intron. Not counted in ClinVar's aggregate classification.

Dr. Peter K. Rogan Lab, Western University
No classification provided (evidence only). Condition: Nonpapillary renal cell carcinoma. Review status: no classification provided. Collection method: in vitro. Allele origin: not applicable. Functional consequence: retained intron. Not counted in ClinVar's aggregate classification.

Dr. Peter K. Rogan Lab, Western University
No classification provided (evidence only). Condition: Cholangiocarcinoma. Review status: no classification provided. Collection method: in vitro. Allele origin: not applicable. Functional consequence: retained intron. Not counted in ClinVar's aggregate classification.

Dr. Peter K. Rogan Lab, Western University
No classification provided (evidence only). Condition: Uterine carcinosarcoma. Review status: no classification provided. Collection method: in vitro. Allele origin: not applicable. Functional consequence: retained intron. Not counted in ClinVar's aggregate classification.

Dr. Peter K. Rogan Lab, Western University
No classification provided (evidence only). Condition: Uterine carcinosarcoma. Review status: no classification provided. Collection method: in vitro. Allele origin: not applicable. Functional consequence: retained intron. Not counted in ClinVar's aggregate classification.

Dr. Peter K. Rogan Lab, Western University
No classification provided (evidence only). Condition: Uveal melanoma. Review status: no classification provided. Collection method: in vitro. Allele origin: not applicable. Functional consequence: retained intron. Not counted in ClinVar's aggregate classification.

Dr. Peter K. Rogan Lab, Western University
No classification provided (evidence only). Condition: Uveal melanoma. Review status: no classification provided. Collection method: in vitro. Allele origin: not applicable. Functional consequence: retained intron. Not counted in ClinVar's aggregate classification.

Dr. Peter K. Rogan Lab, Western University
No classification provided (evidence only). Condition: Uveal melanoma. Review status: no classification provided. Collection method: in vitro. Allele origin: not applicable. Functional consequence: retained intron. Not counted in ClinVar's aggregate classification.